The following is an entry in ClinVar:

ClinVar aggregate classification (germline): Uncertain significance (1 of 4 stars; one submission).

Conditions:
Hereditary nonpolyposis colorectal neoplasms. Identifiers: MedGen C0009405, MeSH D003123.

Submission:

Labcorp Genetics (formerly Invitae), Labcorp
Classification: Uncertain significance for Hereditary nonpolyposis colorectal neoplasms. Last evaluated: 2022-04-07. Review status: criteria provided, single submitter. Criteria: Invitae Variant Classification Sherloc (09022015). Collection method: clinical testing. Allele origin: germline.
Comment: Advanced modeling of protein sequence and biophysical properties (such as structural, functional, and spatial information, amino acid conservation, physicochemical variation, residue mobility, and thermodynamic stability) performed at Invitae indicates that this missense variant is not expected to disrupt MSH6 protein function. This sequence change replaces leucine, which is neutral and non-polar, with methionine, which is neutral and non-polar, at codon 565 of the MSH6 protein (p.Leu565Met). This variant is not present in population databases (gnomAD no frequency). This variant has not been reported in the literature in individuals affected with MSH6-related conditions. In summary, the available evidence is currently insufficient to determine the role of this variant in disease. Therefore, it has been classified as a Variant of Uncertain Significance.

NM_000179.3(MSH6):c.1693C>A (p.Leu565Met)

Gene: MSH6 (mutS homolog 6; plus strand). Cytogenetic location: 2p16.3.
Variant type: single nucleotide variant.
Coding change: c.1693C>A on transcript NM_000179.3 (MANE Select); coding-DNA position 1693, C replaced by A.
Protein change: p.Leu565Met; replaces leucine 565 with methionine.
Molecular consequence: missense variant.
Genome position (GRCh38, 1-based): chr2:47,799,676, C>A. VCF-style: chr2-47799676-C-A. GRCh37 (hg19) VCF-style: chr2-48026815-C-A.
Other names: c.1303C>A, p.Leu435Met (NM_001281492.2); c.787C>A, p.Leu263Met (NM_001281493.2, NM_001281494.2, NM_001406811.1 and 6 more transcripts); c.1789C>A, p.Leu597Met (NM_001406795.1, NM_001406802.1); c.1693C>A, p.Leu565Met (NM_001406796.1, NM_001406798.1, NM_001406800.1 and 3 more transcripts); c.1396C>A, p.Leu466Met (NM_001406797.1, NM_001406801.1, NM_001406805.1 and 10 more transcripts); c.1168C>A, p.Leu390Met (NM_001406799.1, NM_001406806.1, NM_001406807.1); c.1615C>A, p.Leu539Met (NM_001406804.1); c.1699C>A, p.Leu567Met (NM_001406813.1); and 1 more; short protein forms L509M, L539M, L390M, L466M, L565M, L263M, L435M, L567M.
Identifiers: ClinVar variation 2122366 (VCV002122366.4), dbSNP rs1168297520, ClinGen allele CA346747532.